The following is an entry in ClinVar:

NM_001365951.3(KIF1B):c.2940G>A (p.Leu980=)

Gene: KIF1B (kinesin family member 1B; plus strand). Cytogenetic location: 1p36.22.
Variant type: single nucleotide variant.
Coding change: c.2940G>A on transcript NM_001365951.3 (MANE Select); coding-DNA position 2940, G replaced by A.
Protein change: p.Leu980=; no amino-acid change (leucine 980 retained).
Molecular consequence: synonymous variant.
Genome position (GRCh38, 1-based): chr1:10,334,535, G>A. VCF-style: chr1-10334535-G-A. GRCh37 (hg19) VCF-style: chr1-10394593-G-A.
Other names: c.2940G>A, p.Leu980= (NM_001365952.1); c.2802G>A, p.Leu934= (NM_015074.3).
Identifiers: ClinVar variation 2448727 (VCV002448727.5), dbSNP rs1279435643, ClinGen allele CA415881734.

ClinVar aggregate classification (germline): Conflicting classifications of pathogenicity. Review status: criteria provided, conflicting classifications (1 of 4 stars). 2 submissions from 2 submitters: Uncertain significance (1); Likely benign (1). Last evaluated 2023-11-03.

Conditions:
Charcot-Marie-Tooth disease type 2. Also called: Charcot-Marie-Tooth type 2. Identifiers: Orphanet 64746, MedGen C0270914, MONDO:0018993.

Allele frequency attached by ClinVar (database versions not stated): gnomAD exomes below 0.00001.
gnomAD v4.1: 1 of 1,613,614 alleles (0.000062%); highest among the groups gnomAD compares: Admixed American, 0.0017%; no homozygotes.

Submissions (2):

Labcorp Genetics (formerly Invitae), Labcorp
Classification: Likely benign for Charcot-Marie-Tooth disease type 2. Last evaluated: 2023-11-03. Review status: criteria provided, single submitter. Criteria: Invitae Variant Classification Sherloc (09022015). Collection method: clinical testing. Allele origin: germline.

Ambry Genetics
Classification: Uncertain significance. Last evaluated: 2022-12-22. Review status: criteria provided, single submitter. Criteria: Ambry Variant Classification Scheme 2023. Collection method: clinical testing. Allele origin: germline.
Comment: The c.2802G>A variant (also known as p.L934L), located in coding exon 25 of the KIF1B gene, results from a G to A substitution at nucleotide position 2802. This nucleotide substitution does not change the leucine at codon 934. This nucleotide position is well conserved in available vertebrate species. In silico splice site analysis for this alteration is inconclusive. The evidence for this gene-disease relationship is limited; therefore, the clinical significance of this alteration is unclear.